The following is an entry in ClinVar:

ClinVar aggregate classification (germline): Uncertain significance (1 of 4 stars; one submission).

Allele frequency attached by ClinVar (database versions not stated): gnomAD exomes below 0.00001; ExAC 0.00001.
gnomAD v4.1: 1 of 1,613,090 alleles (0.000062%); highest among the groups gnomAD compares: Non-Finnish European, 0.000085%; no homozygotes.

Submission:

Women's Health and Genetics/Laboratory Corporation of America, LabCorp
Classification: Uncertain significance. Last evaluated: 2023-09-28. Review status: criteria provided, single submitter. Criteria: LabCorp Variant Classification Summary - May 2015. Collection method: clinical testing. Allele origin: germline.
Comment: Variant summary: FGFR3 c.1630G>T (p.Ala544Ser) results in a conservative amino acid change located in the Protein kinase domain (IPR000719) of the encoded protein sequence. Four of five in-silico tools predict a damaging effect of the variant on protein function. The variant allele was found at a frequency of 4e-06 in 250348 control chromosomes. The available data on variant occurrences in the general population are insufficient to allow any conclusion about variant significance. To our knowledge, no occurrence of c.1630G>T in individuals affected with Achondroplasia and no experimental evidence demonstrating its impact on protein function have been reported. No submitters have cited clinical-significance assessments for this variant to ClinVar after 2014. Based on the evidence outlined above, the variant was classified as uncertain significance.

NM_000142.5(FGFR3):c.1630G>T (p.Ala544Ser)

Gene: FGFR3 (fibroblast growth factor receptor 3; plus strand). Cytogenetic location: 4p16.3.
Variant type: single nucleotide variant.
Coding change: c.1630G>T on transcript NM_000142.5 (MANE Select); coding-DNA position 1630, G replaced by T.
Protein change: p.Ala544Ser; replaces alanine 544 with serine.
Molecular consequence: missense variant. On other transcripts: non-coding transcript variant (1).
Genome position (GRCh38, 1-based): chr4:1,805,654, G>T. VCF-style: chr4-1805654-G-T. GRCh37 (hg19) VCF-style: chr4-1807381-G-T.
Other names: c.1636G>T, p.Ala546Ser (NM_001163213.2); c.1633G>T, p.Ala545Ser (NM_001354809.2, NM_001354810.2); c.1294G>T, p.Ala432Ser (NM_022965.4); short protein forms A432S, A544S, A545S, A546S.
Identifiers: ClinVar variation 2627343 (VCV002627343.1), dbSNP rs762781471, ClinGen allele CA2810491.
Genomic context (GRCh38, chr4:1,805,654, plus strand): 5'-TCTGAGATGGAGATGATGAAGATGATCGGGAAACACAAAAACATCATCAACCTGCTGGGC[G>T]CCTGCACGCAGGGCGGTAGGTGCGGTAGCGGCGGTGGTGCCGGCTGGGCGGCCCTCCTGG-3'
Protein context (NP_000133.1, residues 534-554): KHKNIINLLG[Ala544Ser]CTQGGPLYVL